The following is an entry in ClinVar:

ClinVar aggregate classification (germline): Pathogenic. Review status: criteria provided, multiple submitters, no conflicts (2 of 4 stars). 2 submissions from 2 submitters: Pathogenic (2). Last evaluated 2024-01-02.

Conditions:
Fanconi anemia complementation group O. Also called: RAD51C-Related Fanconi Anemia. Identifiers: Orphanet 84, MedGen C3150653, MONDO:0013248, OMIM 613390.
Breast-ovarian cancer, familial, susceptibility to, 3. Also called: RAD51C-Related Breast/Ovarian Cancer. Identifiers: Orphanet 145, MedGen C3150659, MONDO:0013253, OMIM 613399.

Submissions (2):

Myriad Genetics, Inc.
Classification: Pathogenic for Breast-ovarian cancer, familial, susceptibility to, 3. Last evaluated: 2024-01-02. Review status: criteria provided, single submitter. Criteria: Myriad Autosomal Dominant, Autosomal Recessive and X-Linked Classification Criteria (2023). Collection method: clinical testing. Allele origin: unknown.
Comment: This variant is considered pathogenic. This variant creates a termination codon and is predicted to result in premature protein truncation.

Labcorp Genetics (formerly Invitae), Labcorp
Classification: Pathogenic for Fanconi anemia complementation group O. Last evaluated: 2023-12-11. Review status: criteria provided, single submitter. Criteria: Invitae Variant Classification Sherloc (09022015). Collection method: clinical testing. Allele origin: germline.
Comment: This sequence change creates a premature translational stop signal (p.Gly162*) in the RAD51C gene. It is expected to result in an absent or disrupted protein product. Loss-of-function variants in RAD51C are known to be pathogenic (PMID: 20400964, 21990120, 24800917, 29278735). This variant is not present in population databases (gnomAD no frequency). This variant has not been reported in the literature in individuals affected with RAD51C-related conditions. ClinVar contains an entry for this variant (Variation ID: 2088056). For these reasons, this variant has been classified as Pathogenic.

Literature cited by the submitters: PubMed 20400964 (cited by Labcorp Genetics (formerly Invitae), Labcorp); PubMed 21990120 (cited by Labcorp Genetics (formerly Invitae), Labcorp); PubMed 24800917 (cited by Labcorp Genetics (formerly Invitae), Labcorp); PubMed 29278735 (cited by Labcorp Genetics (formerly Invitae), Labcorp).

NM_058216.3(RAD51C):c.484G>T (p.Gly162Ter)

Gene: RAD51C (RAD51 paralog C; plus strand). Cytogenetic location: 17q22.
Variant type: single nucleotide variant.
Coding change: c.484G>T on transcript NM_058216.3 (MANE Select); coding-DNA position 484, G replaced by T.
Protein change: p.Gly162Ter; replaces glycine 162 with a stop codon.
Molecular consequence: nonsense.
Genome position (GRCh38, 1-based): chr17:58,696,772, G>T. VCF-style: chr17-58696772-G-T. GRCh37 (hg19) VCF-style: chr17-56774133-G-T.
Other names: short protein forms G162*.
Identifiers: ClinVar variation 2088056 (VCV002088056.5), dbSNP rs2143746667, ClinGen allele CA400344764.